The following is an entry in ClinVar:

NM_000038.6(APC):c.1396A>G (p.Met466Val)

Gene: APC (APC regulator of Wnt signaling pathway; plus strand). Cytogenetic location: 5q22.2.
Variant type: single nucleotide variant.
Coding change: c.1396A>G on transcript NM_000038.6 (MANE Select); coding-DNA position 1396, A replaced by G.
Protein change: p.Met466Val; replaces methionine 466 with valine.
Molecular consequence: missense variant.
Genome position (GRCh38, 1-based): chr5:112,821,979, A>G. VCF-style: chr5-112821979-A-G. GRCh37 (hg19) VCF-style: chr5-112157676-A-G.
Other names: c.1396A>G, p.Met466Val (NM_001127510.3, NM_001354895.2, NM_001354896.2); c.1342A>G, p.Met448Val (NM_001127511.3); c.1426A>G, p.Met476Val (NM_001354897.2); c.1321A>G, p.Met441Val (NM_001354898.2); c.1312A>G, p.Met438Val (NM_001354899.2); c.1219A>G, p.Met407Val (NM_001354900.2, NM_001354901.2); c.1123A>G, p.Met375Val (NM_001354902.2); c.1093A>G, p.Met365Val (NM_001354903.2); and 3 more; short protein forms M448V, M466V, M183V, M340V, M365V, M438V, M306V, M476V.
Identifiers: ClinVar variation 418009 (VCV000418009.20), dbSNP rs781364007, ClinGen allele CA027319.

ClinVar aggregate classification (germline): Conflicting classifications of pathogenicity. Review status: criteria provided, conflicting classifications (1 of 4 stars). 6 submissions from 6 submitters: Uncertain significance (3); Likely benign (2). 1 of the submissions does not count toward it. Last evaluated 2025-09-14.

Conditions:
Colorectal cancer. Also called: Colorectal cancer, somatic; Malignant Colorectal Neoplasm. Identifiers: MedGen C0346629, MONDO:0005575, OMIM 114500.
Hereditary cancer-predisposing syndrome. Also called: Hereditary neoplastic syndrome; Tumor predisposition; Neoplastic Syndromes, Hereditary; Hereditary Cancer Syndrome. Identifiers: Orphanet 140162, MedGen C0027672, MeSH D009386, MONDO:0015356.
Familial adenomatous polyposis 1 (FAP1). Also called: FAMILIAL ADENOMATOUS POLYPOSIS 1, ATTENUATED; POLYPOSIS, ADENOMATOUS INTESTINAL. Identifiers: MedGen C2713442, MONDO:0021056, OMIM 175100. Disease mechanism: loss of function.

Allele frequency attached by ClinVar (database versions not stated): gnomAD exomes below 0.00001 and 0.00002; TOPMed below 0.00001; ExAC 0.00001.

Submissions (6):

Labcorp Genetics (formerly Invitae), Labcorp
Classification: Uncertain significance for Familial adenomatous polyposis 1. Last evaluated: 2025-09-14. Review status: criteria provided, single submitter. Criteria: Invitae Variant Classification Sherloc (09022015). Collection method: clinical testing. Allele origin: germline.
Comment: This sequence change replaces methionine, which is neutral and non-polar, with valine, which is neutral and non-polar, at codon 466 of the APC protein (p.Met466Val). This variant is present in population databases (rs781364007, gnomAD 0.02%). This variant has not been reported in the literature in individuals affected with APC-related conditions. ClinVar contains an entry for this variant (Variation ID: 418009). Invitae Evidence Modeling of protein sequence and biophysical properties (such as structural, functional, and spatial information, amino acid conservation, physicochemical variation, residue mobility, and thermodynamic stability) indicates that this missense variant is not expected to disrupt APC protein function with a negative predictive value of 95%. In summary, the available evidence is currently insufficient to determine the role of this variant in disease. Therefore, it has been classified as a Variant of Uncertain Significance.

Color Diagnostics, LLC DBA Color Health
Classification: Likely benign for Hereditary cancer-predisposing syndrome. Last evaluated: 2024-11-26. Review status: criteria provided, single submitter. Criteria: ACMG Guidelines, 2015. Collection method: clinical testing. Allele origin: germline.

GeneDx
Classification: Uncertain significance. Last evaluated: 2024-06-14. Review status: criteria provided, single submitter. Criteria: GeneDx Variant Classification Process June 2021. Collection method: clinical testing. Allele origin: germline. Affected: yes.
Comment: Not observed at significant frequency in large population cohorts (gnomAD); In silico analysis supports that this missense variant has a deleterious effect on protein structure/function; Has not been previously published as pathogenic or benign to our knowledge; This variant is associated with the following publications: (PMID: 18199528)

Baylor Genetics
Classification: Uncertain significance for Familial adenomatous polyposis 1. Last evaluated: 2023-06-30. Review status: criteria provided, single submitter. Criteria: ACMG Guidelines, 2015. Collection method: clinical testing. Allele origin: unknown.

Ambry Genetics
Classification: Likely benign for Hereditary cancer-predisposing syndrome. Last evaluated: 2021-10-22. Review status: criteria provided, single submitter. Criteria: Ambry Variant Classification Scheme 2023. Collection method: clinical testing. Allele origin: germline.

3DMed Clinical Laboratory Inc
Classification: Uncertain significance for Colorectal cancer. Last evaluated: 2018-04-21. Review status: no assertion criteria provided. Criteria: ACMG Guidelines, 2015. Collection method: clinical testing. Allele origin: germline. Affected: yes. Not counted in ClinVar's aggregate classification.